The following is an entry in ClinVar:

NM_015650.4(TRAF3IP1):c.1690G>A (p.Glu564Lys)

Gene: TRAF3IP1 (TRAF3 interacting protein 1; plus strand). Cytogenetic location: 2q37.3.
Variant type: single nucleotide variant.
Coding change: c.1690G>A on transcript NM_015650.4 (MANE Select); coding-DNA position 1690, G replaced by A.
Protein change: p.Glu564Lys; replaces glutamic acid 564 with lysine.
Molecular consequence: missense variant.
Genome position (GRCh38, 1-based): chr2:238,397,459, G>A. VCF-style: chr2-238397459-G-A. GRCh37 (hg19) VCF-style: chr2-239306100-G-A.
Other names: c.1492G>A, p.Glu498Lys (NM_001139490.1); c.1690G>A (NM_015650.3); short protein forms E498K, E564K.
Identifiers: ClinVar variation 1015112 (VCV001015112.8), dbSNP rs1243528171, ClinGen allele CA351245765.

ClinVar aggregate classification (germline): Uncertain significance. Review status: criteria provided, multiple submitters, no conflicts (2 of 4 stars). 2 submissions from 2 submitters: Uncertain significance (2). Last evaluated 2022-11-08.

Conditions:
Inborn genetic diseases. Identifiers: MedGen C0950123, MeSH D030342.

Allele frequency attached by ClinVar (database versions not stated): TOPMed below 0.00001; gnomAD 0.00001; gnomAD exomes 0.00003.
gnomAD v4.1: 50 of 1,612,548 alleles (0.0031%); highest among the groups gnomAD compares: Non-Finnish European, 0.0042%; no homozygotes.

Submissions (2):

Ambry Genetics
Classification: Uncertain significance for Inborn genetic diseases. Last evaluated: 2022-11-08. Review status: criteria provided, single submitter. Criteria: Ambry Variant Classification Scheme 2023. Collection method: clinical testing. Allele origin: germline.

Labcorp Genetics (formerly Invitae), Labcorp
Classification: Uncertain significance. Last evaluated: 2022-10-13. Review status: criteria provided, single submitter. Criteria: Invitae Variant Classification Sherloc (09022015). Collection method: clinical testing. Allele origin: germline.
Comment: In summary, the available evidence is currently insufficient to determine the role of this variant in disease. Therefore, it has been classified as a Variant of Uncertain Significance. Algorithms developed to predict the effect of missense changes on protein structure and function are either unavailable or do not agree on the potential impact of this missense change (SIFT: "Tolerated"; PolyPhen-2: "Probably Damaging"; Align-GVGD: "Class C0"). ClinVar contains an entry for this variant (Variation ID: 1015112). This variant has not been reported in the literature in individuals affected with TRAF3IP1-related conditions. This variant is not present in population databases (gnomAD no frequency). This sequence change replaces glutamic acid, which is acidic and polar, with lysine, which is basic and polar, at codon 564 of the TRAF3IP1 protein (p.Glu564Lys).